The following is an entry in ClinVar:

NM_000528.4(MAN2B1):c.605G>C (p.Arg202Pro)

Gene: MAN2B1 (mannosidase alpha class 2B member 1; minus strand). Cytogenetic location: 19p13.13.
Variant type: single nucleotide variant.
Coding change: c.605G>C on transcript NM_000528.4 (MANE Select); coding-DNA position 605, G replaced by C.
Protein change: p.Arg202Pro; replaces arginine 202 with proline.
Molecular consequence: missense variant.
Genome position (GRCh38, 1-based): chr19:12,664,817, C>G on the plus strand (G>C on the coding strand, the complement: MAN2B1 is on the minus strand). VCF-style: chr19-12664817-C-G. GRCh37 (hg19) VCF-style: chr19-12775631-C-G.
Other names: c.605G>C, p.Arg202Pro (NM_001173498.2); short protein forms R202P.
Identifiers: ClinVar variation 208257 (VCV000208257.3), dbSNP rs864621979, ClinGen allele CA351019.

ClinVar aggregate classification (germline): Uncertain significance. Review status: criteria provided, multiple submitters, no conflicts (2 of 4 stars). 3 submissions from 3 submitters: Uncertain significance (2). 1 of the submissions does not count toward it. Last evaluated 2025-10-15.

Conditions:
Deficiency of alpha-mannosidase (MANSA). Also called: LYSOSOMAL ALPHA-D-MANNOSIDASE DEFICIENCY; Alpha-Mannosidosis; Mannosidosis, alpha-, types I and II. Identifiers: Orphanet 61, MedGen C0024748, MONDO:0009561, OMIM 248500.

gnomAD v4.1: 10 of 1,613,520 alleles (0.00062%); highest among the groups gnomAD compares: Non-Finnish European, 0.00085%; no homozygotes.

Submissions (3):

Myriad Genetics, Inc.
Classification: Uncertain significance for Deficiency of alpha-mannosidase. Last evaluated: 2025-10-15. Review status: criteria provided, single submitter. Criteria: Myriad Autosomal Dominant, Autosomal Recessive and X-Linked Classification Criteria (2023). Collection method: clinical testing. Allele origin: unknown.
Comment: NM_000528.3(MAN2B1):c.605G>C(R202P) is a missense variant classified as a variant of uncertain significance in the context of alpha-mannosidosis. R202P has been observed in a case with relevant disease (PMID: 22161967). Relevant functional assessments of this variant are available in the literature (PMID: 22161967, 21505070). R202P has not been observed in referenced population frequency databases. In summary, there is insufficient evidence to classify NM_000528.3(MAN2B1):c.605G>C(R202P) as pathogenic or benign. Please note: this variant was assessed in the context of healthy population screening.

Fulgent Genetics
Classification: Uncertain significance for Deficiency of alpha-mannosidase. Last evaluated: 2021-11-08. Review status: criteria provided, single submitter. Criteria: ACMG Guidelines, 2015. Collection method: clinical testing. Allele origin: unknown.

ClinVar Staff, National Center for Biotechnology Information (NCBI)
Classification: Uncertain significance for Deficiency of alpha-mannosidase. Last evaluated: 2012-06-07. Review status: no assertion criteria provided. Collection method: literature only. Allele origin: germline. Affected: yes. Not counted in ClinVar's aggregate classification.

Literature cited by the submitters: PubMed 21505070 (cited by Myriad Genetics, Inc.); PubMed 22161967 (cited by Myriad Genetics, Inc. and ClinVar Staff, National Center for Biotechnology Information (NCBI)).